The following is an entry in ClinVar:

NM_152281.3(GORAB):c.-35T>A

Genes: GORAB (golgin, RAB6 interacting; plus strand), GORAB-AS1 (GORAB antisense RNA 1; minus strand). Cytogenetic location: 1q24.2.
Variant type: single nucleotide variant.
Coding change: c.-35T>A on transcript NM_152281.3 (MANE Select); 35 bases upstream of the start codon, T replaced by A.
Molecular consequence: 5 prime UTR variant. On other transcripts: non-coding transcript variant (1).
Genome position (GRCh38, 1-based): chr1:170,532,189, T>A. VCF-style: chr1-170532189-T-A. GRCh37 (hg19) VCF-style: chr1-170501330-T-A.
Other names: c.-35T>A (NM_001146039.2, NM_001410894.1); c.-800T>A (NM_001320252.2).
Identifiers: ClinVar variation 4773967 (VCV004773967.1).

ClinVar aggregate classification (germline): Uncertain significance (1 of 4 stars; one submission).

Submission:

Labcorp Genetics (formerly Invitae), Labcorp
Classification: Uncertain significance. Last evaluated: 2025-03-22. Review status: criteria provided, single submitter. Criteria: Invitae Variant Classification Sherloc (09022015). Collection method: clinical testing. Allele origin: germline.
Comment: This sequence change replaces phenylalanine, which is neutral and non-polar, with tyrosine, which is neutral and polar, at codon 14 of the GORAB protein (p.Phe14Tyr). This variant is not present in population databases (gnomAD no frequency). This variant has not been reported in the literature in individuals affected with GORAB-related conditions. An algorithm developed to predict the effect of missense changes on protein structure and function (PolyPhen-2) suggests that this variant is likely to be tolerated. In summary, the available evidence is currently insufficient to determine the role of this variant in disease. Therefore, it has been classified as a Variant of Uncertain Significance.